The following is an entry in ClinVar:

ClinVar aggregate classification (germline): Conflicting classifications of pathogenicity. Review status: criteria provided, conflicting classifications (1 of 4 stars). 2 submissions from 2 submitters: Uncertain significance (1); Likely benign (1). Last evaluated 2026-08-01.

Conditions:
Short stature-brachydactyly-obesity-global developmental delay syndrome. Also called: Short stature, brachydactyly, intellectual developmental disability, and seizures; SHORT STATURE, BRACHYDACTYLY, IMPAIRED INTELLECTUAL DEVELOPMENT, AND SEIZURES. Identifiers: Orphanet 464288, MedGen C4310689, MONDO:0014944, OMIM 617157.

Allele frequency attached by ClinVar (database versions not stated): gnomAD exomes 0.00003; ExAC 0.00023; ESP Exome Variant Server 0.00031; gnomAD 0.00031; TOPMed 0.00034; 1000 Genomes Project 0.00060; 1000 Genomes Project 30x 0.00062.
gnomAD v4.1: 87 of 1,588,556 alleles (0.0055%); highest among the groups gnomAD compares: African/African-American, 0.09%; no homozygotes.

Submissions (2):

CeGaT Center for Human Genetics Tuebingen
Classification: Likely benign. Last evaluated: 2026-08-01. Review status: criteria provided, single submitter. Criteria: CeGaT Center For Human Genetics Tuebingen Variant Classification Criteria Version 2. Collection method: clinical testing. Allele origin: germline. Affected: yes. Observed: 1 variant allele.
Comment: PRMT7: BP4

New York Genome Center
Classification: Uncertain significance for Short stature-brachydactyly-obesity-global developmental delay syndrome. Last evaluated: 2023-03-31. Review status: criteria provided, single submitter. Criteria: NYGC Assertion Criteria 2020. Collection method: clinical testing. Allele origin: germline. Observed: 1 heterozygote.

NM_019023.5(PRMT7):c.1652G>A (p.Arg551His)

Gene: PRMT7 (protein arginine methyltransferase 7; plus strand). Cytogenetic location: 16q22.1.
Variant type: single nucleotide variant.
Coding change: c.1652G>A on transcript NM_019023.5 (MANE Select); coding-DNA position 1652, G replaced by A.
Protein change: p.Arg551His; replaces arginine 551 with histidine.
Molecular consequence: missense variant. On other transcripts: non-coding transcript variant (12).
Genome position (GRCh38, 1-based): chr16:68,355,724, G>A. VCF-style: chr16-68355724-G-A. GRCh37 (hg19) VCF-style: chr16-68389627-G-A.
Other names: c.1502G>A, p.Arg501His (NM_001184824.4); c.1652G>A, p.Arg551His (NM_001290018.2, NM_001351143.3, NM_001378018.1); c.1655G>A, p.Arg552His (NM_001351144.3); c.1445G>A, p.Arg482His (NM_001378020.1); c.1415G>A, p.Arg472His (NM_001378021.1, NM_001378022.1, NM_001378023.1); short protein forms R472H, R482H, R501H, R551H, R552H.
Identifiers: ClinVar variation 2665073 (VCV002665073.2), dbSNP rs148768244, ClinGen allele CA8127604.